The following is an entry in ClinVar:

ClinVar aggregate classification (germline): Benign/Likely benign. Review status: criteria provided, multiple submitters, no conflicts (2 of 4 stars). 7 submissions from 7 submitters: Benign (2); Likely benign (5). Last evaluated 2026-02-03.

Conditions:
Hereditary nonpolyposis colon cancer (HNPCC). Also called: Hereditary nonpolyposis colorectal cancer; Familial nonpolyposis colon cancer; Hereditary Nonpolyposis Colorectal Cancer Syndrome. Identifiers: Orphanet 443909, MedGen C1333990, MONDO:0018630. Disease mechanism: loss of function.
Hereditary diffuse gastric adenocarcinoma (HDGC). Also called: DIFFUSE GASTRIC AND LOBULAR BREAST CANCER SYNDROME. Identifiers: Orphanet 26106, MedGen C1708349, MONDO:0007648, OMIM 137215.
Patterned macular dystrophy 2. Identifiers: Orphanet 99001, MedGen C1837029, MONDO:0012162, OMIM 608970.
Hereditary cancer-predisposing syndrome. Also called: Tumor predisposition; Hereditary neoplastic syndrome; Hereditary Cancer Syndrome; Neoplastic Syndromes, Hereditary. Identifiers: Orphanet 140162, MedGen C0027672, MeSH D009386, MONDO:0015356.

Allele frequency attached by ClinVar (database versions not stated): gnomAD exomes 0.00021 and 0.00056; ExAC 0.00076; 1000 Genomes Project 0.00160; 1000 Genomes Project 30x 0.00203; gnomAD 0.00230 and 0.00259; TOPMed 0.00258; ESP Exome Variant Server 0.00292.
gnomAD v4.1: 666 of 1,614,212 alleles (0.041%); highest among the groups gnomAD compares: African/African-American, 0.75%; 3 homozygotes.

Submissions (7):

Labcorp Genetics (formerly Invitae), Labcorp
Classification: Benign. Last evaluated: 2026-02-03. Review status: criteria provided, single submitter. Criteria: Invitae Variant Classification Sherloc (09022015). Collection method: clinical testing. Allele origin: germline.

Myriad Genetics, Inc.
Classification: Likely benign for Hereditary diffuse gastric adenocarcinoma. Last evaluated: 2024-10-10. Review status: criteria provided, single submitter. Criteria: Myriad Autosomal Dominant, Autosomal Recessive and X-Linked Classification Criteria (2023). Collection method: clinical testing. Allele origin: unknown.
Comment: This variant is considered likely benign. Homozygosity has been confirmed in one or more individuals. As homozygosity for pathogenic variants in this gene is generally assumed to result in embryonic lethality, this variant is unlikely to be pathogenic.

Department of Pathology and Laboratory Medicine, Sinai Health System
Classification: Benign for hereditary nonpolyposis colon cancer. Last evaluated: 2024-03-12. Review status: criteria provided, single submitter. Criteria: ACMG Guidelines, 2015. Collection method: clinical testing. Allele origin: germline. Affected: yes.

Blueprint Genetics
Classification: Likely benign. Last evaluated: 2024-02-09. Review status: criteria provided, single submitter. Criteria: ACMG Guidelines, 2015. Collection method: clinical testing. Allele origin: germline.

ARUP Laboratories, Molecular Genetics and Genomics, ARUP Laboratories
Classification: Likely benign for Patterned macular dystrophy 2. Last evaluated: 2023-01-06. Review status: criteria provided, single submitter. Criteria: ARUP Molecular Germline Variant Investigation Process 2024. Collection method: clinical testing. Allele origin: germline.

Ambry Genetics
Classification: Likely benign for Hereditary cancer-predisposing syndrome. Last evaluated: 2018-09-21. Review status: criteria provided, single submitter. Criteria: Ambry Variant Classification Scheme 2023. Collection method: clinical testing. Allele origin: germline.

Breakthrough Genomics
Classification: Likely benign. Review status: criteria provided, single submitter. Criteria: ACMG Guidelines, 2015. Collection method: not provided. Allele origin: germline. Inheritance: Autosomal dominant inheritance. Affected: yes.

NM_001903.5(CTNNA1):c.655C>T (p.Pro219Ser)

Gene: CTNNA1 (catenin alpha 1; plus strand). Cytogenetic location: 5q31.2.
Variant type: single nucleotide variant.
Coding change: c.655C>T on transcript NM_001903.5 (MANE Select); coding-DNA position 655, C replaced by T.
Protein change: p.Pro219Ser; replaces proline 219 with serine.
Molecular consequence: missense variant.
Genome position (GRCh38, 1-based): chr5:138,824,596, C>T. VCF-style: chr5-138824596-C-T. GRCh37 (hg19) VCF-style: chr5-138160285-C-T.
Other names: c.655C>T, p.Pro219Ser (NM_001290307.3, NM_001323982.2, NM_001323983.1 and 3 more transcripts); c.346C>T, p.Pro116Ser (NM_001290309.3); c.286C>T, p.Pro96Ser (NM_001290310.3); short protein forms P96S, P116S, P219S.
Identifiers: ClinVar variation 697168 (VCV000697168.19), dbSNP rs28363406, ClinGen allele CA3431518.
Genomic context (GRCh38, chr5:138,824,596, plus strand): 5'-AAAGATGTTGGCCATCGTGATCAGATGGCTGCAGCTAGAGGAATCCTGCAGAAGAACGTT[C>T]CGATCCTCTATACTGCATCCCAGGCATGCCTACAGCACCCTGATGTCGCAGCCTATAAGG-3'
Protein context (NP_001894.2, residues 209-229): AARGILQKNV[Pro219Ser]ILYTASQACL